The following is an entry in ClinVar:

NM_001845.6(COL4A1):c.1748G>A (p.Gly583Glu)

Gene: COL4A1 (collagen type IV alpha 1 chain; minus strand). Cytogenetic location: 13q34.
Variant type: single nucleotide variant.
Coding change: c.1748G>A on transcript NM_001845.6 (MANE Select); coding-DNA position 1748, G replaced by A.
Protein change: p.Gly583Glu; replaces glycine 583 with glutamic acid.
Molecular consequence: missense variant.
Genome position (GRCh38, 1-based): chr13:110,186,534, C>T on the plus strand (G>A on the coding strand, the complement: COL4A1 is on the minus strand). VCF-style: chr13-110186534-C-T. GRCh37 (hg19) VCF-style: chr13-110838881-C-T.
Other names: short protein forms G583E.
Identifiers: ClinVar variation 1696643 (VCV001696643.2), dbSNP rs2139173408, ClinGen allele CA388722800.

ClinVar aggregate classification (germline): Conflicting classifications of pathogenicity. Review status: criteria provided, conflicting classifications (1 of 4 stars). 2 submissions from 2 submitters: Likely pathogenic (1); Uncertain significance (1). Last evaluated 2025-10-31.

Conditions:
COL4A1-related disorder. Also called: COL4A1-related condition; COL4A1-related disorders. Identifiers: MedGen CN376119, MONDO:0800461.

Submissions (2):

Rady Children's Institute for Genomic Medicine, Rady Children's Hospital San Diego
Classification: Likely pathogenic for COL4A1-related disorders. Last evaluated: 2025-10-31. Review status: criteria provided, single submitter. Criteria: ACMG Guidelines, 2015. Collection method: clinical testing. Allele origin: germline. Affected: yes.
Comment: Missense substitutions of glycine residues in the collagenous domain of the protein have been reported in individuals with COL4A1-related disorders (PMID: 20301768, 40055992, 27794444). The c.1748G>A (p.Gly583Glu) variant affects a highly conserved glycine residue within the COL4A1 triple helical domain and is predicted by multiple in silico tools to have a deleterious effect on protein function. This variant has not been previously reported or functionally characterized in the literature to our knowledge. The c.1748G>A (p.Gly583Glu) variant is absent from the latest version of the gnomAD population database and thus is presumed to be rare. Based on parental analysis, this variant likely occurred as a de novo event; however. Based on the available evidence, c.1748G>A (p.Gly583Glu) is classified as Likely Pathogenic.

New York Genome Center
Classification: Uncertain significance. Last evaluated: 2021-08-06. Review status: criteria provided, single submitter. Criteria: NYGC Assertion Criteria 2020. Collection method: clinical testing. Allele origin: inherited. Observed: 1 heterozygote. Study: CSER-NYCKidSeq.

Literature cited by the submitters: PubMed 20301768 (cited by Rady Children's Institute for Genomic Medicine, Rady Children's Hospital San Diego).